The following is an entry in ClinVar:

ClinVar aggregate classification (germline): Likely pathogenic. Review status: criteria provided, single submitter (1 of 4 stars). 2 submissions from 2 submitters: Likely pathogenic (1). 1 of the submissions does not count toward it. Last evaluated 2026-04-10.

Conditions:
Neurodevelopmental disorder. Identifiers: MedGen C1535926, MeSH D065886, MONDO:0700092.

Submissions (2):

GeneDx
Classification: Likely pathogenic. Last evaluated: 2026-04-10. Review status: criteria provided, single submitter. Criteria: GeneDx Variant Classification Process June 2021. Collection method: clinical testing. Allele origin: germline.
Comment: Reported in a patient with non-syndromic intellectual disability in the published literature who also had a variant in another gene that may have been responsible for the phenotype (PMID: 31316545); Frameshift variant predicted to result in abnormal protein length as the last 118 amino acid(s) are replaced with 13 different amino acid(s), and other similar variants have been reported in HGMD; This variant is associated with the following publications: (PMID: 38958063, 41045726, 33909990, 31316545)

Joint Genome Diagnostic Labs from Nijmegen and Maastricht, Radboudumc and MUMC+
Classification: Uncertain significance for Neurodevelopmental disorder. Last evaluated: 2021-01-10. Review status: no assertion criteria provided. Collection method: research. Allele origin: unknown. Affected: yes. Not counted in ClinVar's aggregate classification.

Literature cited by the submitters: PubMed 33909990 (cited by Joint Genome Diagnostic Labs from Nijmegen and Maastricht, Radboudumc and MUMC+).

NM_006662.3(SRCAP):c.9338_9341del (p.Leu3113fs)

Gene: SRCAP (Snf2 related CREBBP activator protein; plus strand). Cytogenetic location: 16p11.2.
Variant type: Deletion.
Coding change: c.9338_9341del on transcript NM_006662.3 (MANE Select); coding-DNA positions 9338 to 9341, 4 bases deleted (TAAC; older notation c.9338_9341delTAAC).
Protein change: p.Leu3113fs; shifts the reading frame from leucine 3113.
Molecular consequence: frameshift variant.
Genome position (GRCh38, 1-based): chr16:30,739,378-30,739,381, TAAC deleted; deleting any 4 consecutive bases within chr16:30,739,376-30,739,381 gives the same sequence; the c. name uses the placement nearest the transcript's 3' end. VCF-style (leftmost placement, unchanged base first): chr16-30739375-CACTA-C. GRCh37 (hg19) VCF-style: chr16-30750696-CACTA-C.
Other names: short protein forms L3113fs.
Identifiers: ClinVar variation 995445 (VCV000995445.4), dbSNP rs2053199279, ClinGen allele CA976309923.